The following is an entry in ClinVar:

NM_001278064.2(GRM1):c.9G>A (p.Gly3=)

Gene: GRM1 (glutamate metabotropic receptor 1; plus strand). Cytogenetic location: 6q24.3.
Variant type: single nucleotide variant.
Coding change: c.9G>A on transcript NM_001278064.2 (MANE Select); coding-DNA position 9, G replaced by A.
Protein change: p.Gly3=; no amino-acid change (glycine 3 retained).
Molecular consequence: synonymous variant.
Genome position (GRCh38, 1-based): chr6:146,029,526, G>A. VCF-style: chr6-146029526-G-A. GRCh37 (hg19) VCF-style: chr6-146350662-G-A.
Other names: c.9G>A, p.Gly3= (NM_001278065.2, NM_001278066.1, NM_001278067.1).
Identifiers: ClinVar variation 4822404 (VCV004822404.4).
Genomic context (GRCh38, chr6:146,029,526, plus strand): 5'-GGGACCAGCGTGGGAACGCGGCTGGCAGGCTGTGGACCTCGTCCTCACCACCATGGTCGG[G>A]CTCCTTTTGTTTTTTTTCCCAGCGATCTTTTTGGAGGTGTCCCTTCTCCCCAGAAGCCCC-3'
Protein context (NP_001264993.1, residues 1-13): MV[Gly3=]LLLFFFPAIF

ClinVar aggregate classification (germline): Likely benign (1 of 4 stars; one submission).

gnomAD v4.1: 1 of 1,613,644 alleles (0.000062%); highest among the groups gnomAD compares: Non-Finnish European, 0.000085%; no homozygotes.

Submission:

CeGaT Center for Human Genetics Tuebingen
Classification: Likely benign. Last evaluated: 2026-02-01. Review status: criteria provided, single submitter. Criteria: CeGaT Center For Human Genetics Tuebingen Variant Classification Criteria Version 2. Collection method: clinical testing. Allele origin: germline. Affected: yes. Observed: 1 variant allele.
Comment: GRM1: BP4, BP7